The following is an entry in ClinVar:

NM_000132.4(F8):c.6521A>G (p.His2174Arg)

Gene: F8 (coagulation factor VIII; minus strand). Cytogenetic location: Xq28.
Variant type: single nucleotide variant.
Coding change: c.6521A>G on transcript NM_000132.4 (MANE Select); coding-DNA position 6521, A replaced by G.
Protein change: p.His2174Arg; replaces histidine 2174 with arginine.
Molecular consequence: missense variant.
Genome position (GRCh38, 1-based): chrX:154,863,136, T>C on the plus strand (A>G on the coding strand, the complement: F8 is on the minus strand). VCF-style: chrX-154863136-T-C. GRCh37 (hg19) VCF-style: chrX-154091411-T-C.
Other names: p.His2174Arg; c.116A>G, p.His39Arg (NM_019863.3); short protein forms H2174R, H39R.
Identifiers: ClinVar variation 3380938 (VCV003380938.1).
Genomic context (GRCh38, chrX:154,863,136, plus strand): 5'-CACTTACTATTTAAATCACAGCCCATCAACTCCATGCGAAGAGTGCTGCGAATGCTATAA[T>C]GAGTTGGGTGCAAACGGATGTATCGAGCAATAATTGGAGGGTTAAAAATATTGTGTTTTA-3'
Protein context (NP_000123.1, residues 2164-2184): IARYIRLHPT[His2174Arg]YSIRSTLRME

ClinVar aggregate classification (germline): Likely pathogenic (1 of 4 stars; one submission).

Submission:

Mayo Clinic Laboratories, Mayo Clinic
Classification: Likely pathogenic. Last evaluated: 2024-05-07. Review status: criteria provided, single submitter. Criteria: ACMG Guidelines, 2015. Collection method: clinical testing. Allele origin: germline. Observed: 1 variant allele.
Comment: PM1, PM2_moderate, PS4_moderate

Literature cited by the submitters: PubMed 29296726; PubMed 35014236; PubMed 35770352.